The following is an entry in ClinVar:

NM_000540.3(RYR1):c.12625-7G>A

Gene: RYR1 (ryanodine receptor 1; plus strand). Cytogenetic location: 19q13.2.
Variant type: single nucleotide variant.
Coding change: c.12625-7G>A on transcript NM_000540.3 (MANE Select); 7 bases into the intron before coding-DNA position 12625, G replaced by A.
Molecular consequence: intron variant.
Genome position (GRCh38, 1-based): chr19:38,564,952, G>A. VCF-style: chr19-38564952-G-A. GRCh37 (hg19) VCF-style: chr19-39055592-G-A.
Other names: c.12610-7G>A (NM_001042723.2).
Identifiers: ClinVar variation 2742422 (VCV002742422.4), dbSNP rs1265748911, ClinGen allele CA882058077.

ClinVar aggregate classification (germline): Likely benign. Review status: criteria provided, multiple submitters, no conflicts (2 of 4 stars). 2 submissions from 2 submitters: Likely benign (2). Last evaluated 2024-04-16.

Conditions:
Malignant hyperthermia, susceptibility to, 1 (MHS1). Also called: Anesthesia related hyperthermia; Malignant hyperpyrexia; Fulminating hyperpyrexia; Pharmacogenic myopathy; Malignant hyperthermia suceptibility 1; RYR1-Related Malignant Hyperthermia Susceptibility. Identifiers: Orphanet 423, MedGen C2930980, MONDO:0007783, OMIM 145600.
RYR1-related disorder. Also called: RYR1-related condition; RYR1-related disorders. Identifiers: MedGen CN239331.

Allele frequency attached by ClinVar (database versions not stated): TOPMed below 0.00001.
gnomAD v4.1: 3 of 1,573,634 alleles (0.00019%); highest among the groups gnomAD compares: Non-Finnish European, 0.00026%; no homozygotes.

Submissions (2):

All of Us Research Program, National Institutes of Health
Classification: Likely benign for Malignant hyperthermia, susceptibility to, 1. Last evaluated: 2024-04-16. Review status: criteria provided, single submitter. Criteria: ACMG Guidelines, 2015. Collection method: clinical testing. Allele origin: germline. Inheritance: Autosomal dominant inheritance. Observed: 1 variant allele, 1 heterozygote.
Comment: This study involves interpretation of variants in research participants for the purpose of population health screening. Participant phenotype was not available at the time of variant classification. Additional details can be found in publication PMID: 35346344, PMCID: PMC8962531

Labcorp Genetics (formerly Invitae), Labcorp
Classification: Likely benign for RYR1-related disorder. Last evaluated: 2023-11-24. Review status: criteria provided, single submitter. Criteria: Invitae Variant Classification Sherloc (09022015). Collection method: clinical testing. Allele origin: germline.